The following is an entry in ClinVar:

NM_001267550.2(TTN):c.105737C>T (p.Ala35246Val)

Genes: TTN (titin; minus strand), TTN-AS1 (TTN antisense RNA 1; plus strand), LOC129935183 (ATAC-STARR-seq lymphoblastoid active region 16808; plus strand). Cytogenetic location: 2q31.2.
Variant type: single nucleotide variant.
Coding change: c.105737C>T on transcript NM_001267550.2 (MANE Select); coding-DNA position 105737, C replaced by T.
Protein change: p.Ala35246Val; replaces alanine 35246 with valine.
Molecular consequence: missense variant.
Genome position (GRCh38, 1-based): chr2:178,530,878, G>A on the plus strand (C>T on the coding strand, the complement: TTN is on the minus strand). VCF-style: chr2-178530878-G-A. GRCh37 (hg19) VCF-style: chr2-179395605-G-A.
Other names: c.100814C>T, p.Ala33605Val (NM_001256850.1); c.78542C>T, p.Ala26181Val (NM_003319.4); c.98033C>T, p.Ala32678Val (NM_133378.4); c.78917C>T, p.Ala26306Val (NM_133432.3); c.79118C>T, p.Ala26373Val (NM_133437.4); short protein forms A32678V, A35246V, A26181V, A26306V, A26373V, A33605V.
Identifiers: ClinVar variation 894789 (VCV000894789.10), dbSNP rs370476812, ClinGen allele CA349407924.

ClinVar aggregate classification (germline): Uncertain significance. Review status: criteria provided, multiple submitters, no conflicts (2 of 4 stars). 6 submissions from 2 submitters: Uncertain significance (6). Last evaluated 2025-01-11.

Conditions:
Autosomal recessive limb-girdle muscular dystrophy type 2J (LGMDR10). Also called: Limb-girdle muscular dystrophy, type 2J; MUSCULAR DYSTROPHY, LIMB-GIRDLE, AUTOSOMAL RECESSIVE 10. Identifiers: Orphanet 140922, MedGen C1837342, MONDO:0012127, OMIM 608807.
Dilated cardiomyopathy 1G (CMD1G). Identifiers: Orphanet 154, MedGen C1858763, MONDO:0011400, OMIM 604145.
Tibial muscular dystrophy (TMD). Also called: Tibial muscular dystrophy, tardive; UDD MYOPATHY; Udd Distal Myopathy – Tibial Muscular Dystrophy. Identifiers: Orphanet 609, MedGen C1838244, MONDO:0010870, OMIM 600334.
Early-onset myopathy with fatal cardiomyopathy (CMYO5). Also called: CONGENITAL MYOPATHY 5 WITH CARDIOMYOPATHY; Salih Myopathy. Identifiers: Orphanet 289377, MedGen C2673677, MONDO:0012714, OMIM 611705. Disease mechanism: loss of function.
Myopathy, myofibrillar, 9, with early respiratory failure (MFM9). Also called: EDSTROM MYOPATHY; MYOPATHY, PROXIMAL, WITH EARLY RESPIRATORY MUSCLE INVOLVEMENT; Myopathy, distal, with early respiratory failure, autosomal dominant; Hereditary myopathy with early respiratory failure. Identifiers: Orphanet 178464, Orphanet 34521, MedGen C1863599, MONDO:0011362, OMIM 603689.

gnomAD v4.1: 4 of 1,613,858 alleles (0.00025%); highest among the groups gnomAD compares: South Asian, 0.0033%; no homozygotes.

Submissions (6):

Labcorp Genetics (formerly Invitae), Labcorp
Classification: Uncertain significance for Dilated cardiomyopathy 1G; Autosomal recessive limb-girdle muscular dystrophy type 2J. Last evaluated: 2025-01-11. Review status: criteria provided, single submitter. Criteria: Invitae Variant Classification Sherloc (09022015). Collection method: clinical testing. Allele origin: germline.
Comment: This sequence change replaces alanine, which is neutral and non-polar, with valine, which is neutral and non-polar, at codon 35246 of the TTN protein (p.Ala35246Val). This variant is not present in population databases (gnomAD no frequency). This variant has not been reported in the literature in individuals affected with TTN-related conditions. ClinVar contains an entry for this variant (Variation ID: 894789). Experimental studies and prediction algorithms are not available or were not evaluated, and the functional significance of this variant is currently unknown. This variant is located in the M band of TTN (PMID: 25589632). Non-truncating variants in this region may be relevant for neuromuscular disorders, but have not been definitively shown to cause cardiomyopathy (PMID: 23975875). In summary, the available evidence is currently insufficient to determine the role of this variant in disease. Therefore, it has been classified as a Variant of Uncertain Significance.

Illumina Laboratory Services, Illumina
Classification: Uncertain significance for Dilated cardiomyopathy 1G. Last evaluated: 2018-01-13. Review status: criteria provided, single submitter. Criteria: ICSL Variant Classification Criteria 13 December 2019. Collection method: clinical testing. Allele origin: germline.

Illumina Laboratory Services, Illumina
Classification: Uncertain significance for Myopathy, myofibrillar, 9, with early respiratory failure. Last evaluated: 2018-01-13. Review status: criteria provided, single submitter. Criteria: ICSL Variant Classification Criteria 13 December 2019. Collection method: clinical testing. Allele origin: germline.

Illumina Laboratory Services, Illumina
Classification: Uncertain significance for Autosomal recessive limb-girdle muscular dystrophy type 2J. Last evaluated: 2018-01-13. Review status: criteria provided, single submitter. Criteria: ICSL Variant Classification Criteria 13 December 2019. Collection method: clinical testing. Allele origin: germline.

Illumina Laboratory Services, Illumina
Classification: Uncertain significance for Early-onset myopathy with fatal cardiomyopathy. Last evaluated: 2018-01-13. Review status: criteria provided, single submitter. Criteria: ICSL Variant Classification Criteria 13 December 2019. Collection method: clinical testing. Allele origin: germline.

Illumina Laboratory Services, Illumina
Classification: Uncertain significance for Tibial muscular dystrophy. Last evaluated: 2018-01-13. Review status: criteria provided, single submitter. Criteria: ICSL Variant Classification Criteria 13 December 2019. Collection method: clinical testing. Allele origin: germline.

Literature cited by the submitters: PubMed 25589632 (cited by Labcorp Genetics (formerly Invitae), Labcorp); PubMed 23975875 (cited by Labcorp Genetics (formerly Invitae), Labcorp).